The following is an entry in ClinVar:

NM_018417.6(ADCY10):c.526C>T (p.Arg176Cys)

Genes: ADCY10 (adenylate cyclase 10; minus strand), DCAF6 (DDB1 and CUL4 associated factor 6; plus strand). Cytogenetic location: 1q24.2.
Variant type: single nucleotide variant.
Coding change: c.526C>T on transcript NM_018417.6 (MANE Select); coding-DNA position 526, C replaced by T.
Protein change: p.Arg176Cys; replaces arginine 176 with cysteine.
Molecular consequence: missense variant.
Genome position (GRCh38, 1-based): chr1:167,899,539, G>A on the plus strand (C>T on the coding strand, the complement: ADCY10 is on the minus strand). VCF-style: chr1-167899539-G-A. GRCh37 (hg19) VCF-style: chr1-167868777-G-A.
Other names: c.67C>T, p.Arg23Cys (NM_001167749.3); c.250C>T, p.Arg84Cys (NM_001297772.2); short protein forms R176C, R23C, R84C.
Identifiers: ClinVar variation 3269247 (VCV003269247.2).
Genomic context (GRCh38, chr1:167,899,539, plus strand): 5'-GCTGCCAGCAGTTTGGTGACAGAATAACATCATTCATCTGAGCCATGTTCTGGGCAAGGC[G>A]CACATCGTCCACTGCCTGACCAATCACCAGAAAGTGGCTGTGTGTTTCATCTCCAAAGAC-3'
Protein context (NP_060887.2, residues 166-186): LVIGQAVDDV[Arg176Cys]LAQNMAQMND

ClinVar aggregate classification (germline): Uncertain significance. Review status: criteria provided, multiple submitters, no conflicts (2 of 4 stars). 2 submissions from 2 submitters: Uncertain significance (2). Last evaluated 2025-07-10.

gnomAD v4.1: 14 of 1,614,184 alleles (0.00087%); highest among the groups gnomAD compares: Admixed American, 0.0017%; no homozygotes.

Submissions (2):

Labcorp Genetics (formerly Invitae), Labcorp
Classification: Uncertain significance. Last evaluated: 2025-07-10. Review status: criteria provided, single submitter. Criteria: Invitae Variant Classification Sherloc (09022015). Collection method: clinical testing. Allele origin: germline.
Comment: This sequence change replaces arginine, which is basic and polar, with cysteine, which is neutral and slightly polar, at codon 176 of the ADCY10 protein (p.Arg176Cys). This variant is present in population databases (rs183008856, gnomAD 0.003%). This variant has not been reported in the literature in individuals affected with ADCY10-related conditions. ClinVar contains an entry for this variant (Variation ID: 3269247). An algorithm developed to predict the effect of missense changes on protein structure and function (PolyPhen-2) suggests that this variant is likely to be disruptive. In summary, the available evidence is currently insufficient to determine the role of this variant in disease. Therefore, it has been classified as a Variant of Uncertain Significance.

Ambry Genetics
Classification: Uncertain significance. Last evaluated: 2024-03-28. Review status: criteria provided, single submitter. Criteria: Ambry Variant Classification Scheme 2023. Collection method: clinical testing. Allele origin: germline.